The following is an entry in ClinVar:

NM_004960.4(FUS):c.1449_1488del (p.Tyr484fs)

Gene: FUS (FUS RNA binding protein; plus strand). Cytogenetic location: 16p11.2.
Variant type: Deletion.
Coding change: c.1449_1488del on transcript NM_004960.4 (MANE Select); coding-DNA positions 1449 to 1488, 40 bases deleted.
Protein change: p.Tyr484fs; shifts the reading frame from tyrosine 484.
Molecular consequence: frameshift variant. On other transcripts: non-coding transcript variant (1).
Genome position (GRCh38, 1-based): chr16:31,191,018-31,191,057, 40 bases deleted; deleting any 40 consecutive bases within chr16:31,191,016-31,191,057 gives the same sequence; the c. name uses the placement nearest the transcript's 3' end. GRCh37 (hg19): chr16:31,202,339-31,202,378.
Other names: c.1446_1485del, p.Tyr483fs (NM_001170634.1); c.1437_1476del, p.Tyr480fs (NM_001170937.1); short protein forms Y480fs, Y483fs, Y484fs.
Identifiers: ClinVar variation 2419096 (VCV002419096.6), dbSNP rs2544279075, ClinGen allele CA2497030169.

ClinVar aggregate classification (germline): Pathogenic (1 of 4 stars; one submission).

Conditions:
Amyotrophic lateral sclerosis type 6. Also called: FUS-Related Amyotrophic Laterial Sclerosis; AMYOTROPHIC LATERAL SCLEROSIS 6 WITHOUT FRONTOTEMPORAL DEMENTIA; Amyotrophic lateral sclerosis 6, with or without frontotemporal dementia. Identifiers: Orphanet 275872, Orphanet 803, MedGen C2931786, MONDO:0011951, OMIM 608030.
Tremor, hereditary essential, 4 (ETM4). Identifiers: MedGen C3539195, MONDO:0013888, OMIM 614782.

Submission:

Labcorp Genetics (formerly Invitae), Labcorp
Classification: Pathogenic for Tremor, hereditary essential, 4; Amyotrophic lateral sclerosis type 6. Last evaluated: 2022-10-03. Review status: criteria provided, single submitter. Criteria: Invitae Variant Classification Sherloc (09022015). Collection method: clinical testing. Allele origin: germline.
Comment: This sequence change creates a premature translational stop signal (p.Tyr484Alafs*32) in the FUS gene. While this is not anticipated to result in nonsense mediated decay, it is expected to disrupt the last 43 amino acid(s) of the FUS protein. For these reasons, this variant has been classified as Pathogenic. This variant is not present in population databases (gnomAD no frequency). This premature translational stop signal has been observed in individual(s) with amyotrophic lateral sclerosis (PMID: 20668259). This variant disrupts a region of the FUS protein in which other variant(s) (p.Gln519Ilefs*9) have been determined to be pathogenic (PMID: 20668261, 26788680, 28429524). This suggests that this is a clinically significant region of the protein, and that variants that disrupt it are likely to be disease-causing.

Literature cited by the submitters: PubMed 20668259; PubMed 20668261; PubMed 26788680; PubMed 28429524.